The following is an entry in ClinVar:

ClinVar aggregate classification (germline): Uncertain significance (1 of 4 stars; one submission).

Allele frequency attached by ClinVar (database versions not stated): TOPMed 0.00001.

Submission:

Labcorp Genetics (formerly Invitae), Labcorp
Classification: Uncertain significance. Last evaluated: 2024-02-17. Review status: criteria provided, single submitter. Criteria: Invitae Variant Classification Sherloc (09022015). Collection method: clinical testing. Allele origin: germline.
Comment: This sequence change replaces alanine, which is neutral and non-polar, with valine, which is neutral and non-polar, at codon 132 of the HPS6 protein (p.Ala132Val). This variant is not present in population databases (gnomAD no frequency). This variant has not been reported in the literature in individuals affected with HPS6-related conditions. ClinVar contains an entry for this variant (Variation ID: 1357300). Advanced modeling of protein sequence and biophysical properties (such as structural, functional, and spatial information, amino acid conservation, physicochemical variation, residue mobility, and thermodynamic stability) performed at Invitae indicates that this missense variant is not expected to disrupt HPS6 protein function with a negative predictive value of 80%. In summary, the available evidence is currently insufficient to determine the role of this variant in disease. Therefore, it has been classified as a Variant of Uncertain Significance.

NM_024747.6(HPS6):c.395C>T (p.Ala132Val)

Gene: HPS6 (HPS6 biogenesis of lysosomal organelles complex 2 subunit 3; plus strand). Cytogenetic location: 10q24.32.
Variant type: single nucleotide variant.
Coding change: c.395C>T on transcript NM_024747.6 (MANE Select); coding-DNA position 395, C replaced by T.
Protein change: p.Ala132Val; replaces alanine 132 with valine.
Molecular consequence: missense variant.
Genome position (GRCh38, 1-based): chr10:102,065,869, C>T. VCF-style: chr10-102065869-C-T. GRCh37 (hg19) VCF-style: chr10-103825626-C-T.
Other names: short protein forms A132V.
Identifiers: ClinVar variation 1357300 (VCV001357300.8), dbSNP rs1368489122, ClinGen allele CA377856848.